The following is an entry in ClinVar:

ClinVar aggregate classification (germline): Uncertain significance. Review status: criteria provided, multiple submitters, no conflicts (2 of 4 stars). 3 submissions from 3 submitters: Uncertain significance (3). Last evaluated 2025-12-22.

Conditions:
Hereditary cancer-predisposing syndrome. Also called: Tumor predisposition; Hereditary neoplastic syndrome; Hereditary Cancer Syndrome; Neoplastic Syndromes, Hereditary. Identifiers: Orphanet 140162, MedGen C0027672, MeSH D009386, MONDO:0015356.
Fanconi anemia complementation group O. Also called: RAD51C-Related Fanconi Anemia. Identifiers: Orphanet 84, MedGen C3150653, MONDO:0013248, OMIM 613390.
Breast-ovarian cancer, familial, susceptibility to, 3. Also called: RAD51C-Related Breast/Ovarian Cancer. Identifiers: Orphanet 145, MedGen C3150659, MONDO:0013253, OMIM 613399.

Allele frequency attached by ClinVar (database versions not stated): gnomAD exomes below 0.00001; ExAC 0.00001.
gnomAD v4.1: 4 of 1,613,186 alleles (0.00025%); highest among the groups gnomAD compares: South Asian, 0.0044%; no homozygotes.

Submissions (3):

Ambry Genetics
Classification: Uncertain significance for Hereditary cancer-predisposing syndrome. Last evaluated: 2025-12-22. Review status: criteria provided, single submitter. Criteria: Ambry Variant Classification Scheme 2023. Collection method: clinical testing. Allele origin: germline.
Comment: The p.L265V variant (also known as c.793C>G), located in coding exon 5 of the RAD51C gene, results from a C to G substitution at nucleotide position 793. The leucine at codon 265 is replaced by valine, an amino acid with highly similar properties. This amino acid position is conserved. In addition, this alteration is predicted to be tolerated by in silico analysis. Based on the available evidence, the clinical significance of this variant remains unclear.

Labcorp Genetics (formerly Invitae), Labcorp
Classification: Uncertain significance for Fanconi anemia complementation group O. Last evaluated: 2024-04-30. Review status: criteria provided, single submitter. Criteria: Invitae Variant Classification Sherloc (09022015). Collection method: clinical testing. Allele origin: germline.
Comment: This sequence change replaces leucine, which is neutral and non-polar, with valine, which is neutral and non-polar, at codon 265 of the RAD51C protein (p.Leu265Val). This variant is not present in population databases (gnomAD no frequency). This variant has not been reported in the literature in individuals affected with RAD51C-related conditions. ClinVar contains an entry for this variant (Variation ID: 973770). Advanced modeling of protein sequence and biophysical properties (such as structural, functional, and spatial information, amino acid conservation, physicochemical variation, residue mobility, and thermodynamic stability) performed at Invitae indicates that this missense variant is not expected to disrupt RAD51C protein function with a negative predictive value of 80%. In summary, the available evidence is currently insufficient to determine the role of this variant in disease. Therefore, it has been classified as a Variant of Uncertain Significance.

Division of Medical Genetics, University of Washington
Classification: Uncertain significance for Breast-ovarian cancer, familial, susceptibility to, 3. Last evaluated: 2019-05-06. Review status: criteria provided, single submitter. Criteria: ACMG Guidelines, 2015. Collection method: clinical testing. Allele origin: germline. Affected: no. Study: CSER_CHARM.
Comment: To our knowledge, the c.793C>G sequence variant has not been previously reported in the literature. The c.793C>G variant is not present in the Broad Institute ExAC Browser. In silico analyses indicate this is an evolutionarily conserved residue. Of note, missense variation is not currently an established mechanism of disease for RAD51C associated ovarian cancer risk. Thus, it is unknown at this time whether this variant increases cancer risk.

NM_058216.3(RAD51C):c.793C>G (p.Leu265Val)

Gene: RAD51C (RAD51 paralog C; plus strand). Cytogenetic location: 17q22.
Variant type: single nucleotide variant.
Coding change: c.793C>G on transcript NM_058216.3 (MANE Select); coding-DNA position 793, C replaced by G.
Protein change: p.Leu265Val; replaces leucine 265 with valine.
Molecular consequence: missense variant. On other transcripts: non-coding transcript variant (1).
Genome position (GRCh38, 1-based): chr17:58,709,946, C>G. VCF-style: chr17-58709946-C-G. GRCh37 (hg19) VCF-style: chr17-56787307-C-G.
Other names: c.793C>G (NM_058216.1); short protein forms L265V.
Identifiers: ClinVar variation 973770 (VCV000973770.3), dbSNP rs759072716, ClinGen allele CA8677330.